The following is an entry in ClinVar:

ClinVar aggregate classification (germline): Uncertain significance. Review status: criteria provided, multiple submitters, no conflicts (2 of 4 stars). 2 submissions from 2 submitters: Uncertain significance (2). Last evaluated 2025-08-07.

Conditions:
Colorectal cancer, hereditary nonpolyposis, type 7. Identifiers: Orphanet 144, MedGen C1858380, MONDO:0013725, OMIM 614385.

Allele frequency attached by ClinVar (database versions not stated): TOPMed below 0.00001; gnomAD 0.00001.
gnomAD v4.1: 5 of 1,614,008 alleles (0.00031%); highest among the groups gnomAD compares: Admixed American, 0.0017%; no homozygotes.

Submissions (2):

Ambry Genetics
Classification: Uncertain significance. Last evaluated: 2025-08-07. Review status: criteria provided, single submitter. Criteria: Ambry Variant Classification Scheme 2023. Collection method: clinical testing. Allele origin: germline.
Comment: The p.R1232H variant (also known as c.3695G>A), located in coding exon 6 of the MLH3 gene, results from a G to A substitution at nucleotide position 3695. The arginine at codon 1232 is replaced by histidine, an amino acid with highly similar properties. This amino acid position is highly conserved in available vertebrate species. In addition, this alteration is predicted to be deleterious by in silico analysis. The evidence for this gene-disease relationship is limited; therefore, the clinical significance of this alteration is unclear.

Labcorp Genetics (formerly Invitae), Labcorp
Classification: Uncertain significance for Colorectal cancer, hereditary nonpolyposis, type 7. Last evaluated: 2024-02-24. Review status: criteria provided, single submitter. Criteria: Invitae Variant Classification Sherloc (09022015). Collection method: clinical testing. Allele origin: germline.
Comment: This sequence change replaces arginine, which is basic and polar, with histidine, which is basic and polar, at codon 1232 of the MLH3 protein (p.Arg1232His). This variant is present in population databases (no rsID available, gnomAD 0.007%). This variant has not been reported in the literature in individuals affected with MLH3-related conditions. ClinVar contains an entry for this variant (Variation ID: 2557800). An algorithm developed to predict the effect of missense changes on protein structure and function (PolyPhen-2) suggests that this variant is likely to be disruptive. In summary, the available evidence is currently insufficient to determine the role of this variant in disease. Therefore, it has been classified as a Variant of Uncertain Significance.

NM_001040108.2(MLH3):c.3695G>A (p.Arg1232His)

Gene: MLH3 (mutL homolog 3; minus strand). Cytogenetic location: 14q24.3.
Variant type: single nucleotide variant.
Coding change: c.3695G>A on transcript NM_001040108.2 (MANE Select); coding-DNA position 3695, G replaced by A.
Protein change: p.Arg1232His; replaces arginine 1232 with histidine.
Molecular consequence: missense variant. On other transcripts: intron variant (1).
Genome position (GRCh38, 1-based): chr14:75,033,439, C>T on the plus strand (G>A on the coding strand, the complement: MLH3 is on the minus strand). VCF-style: chr14-75033439-C-T. GRCh37 (hg19) VCF-style: chr14-75500142-C-T.
Other names: c.3644-1260G>A (NM_014381.3); short protein forms R1232H.
Identifiers: ClinVar variation 2557800 (VCV002557800.6), dbSNP rs1288614526, ClinGen allele CA390425295.